The following is an entry in ClinVar:

ClinVar aggregate classification (germline): Benign. Review status: criteria provided, multiple submitters, no conflicts (2 of 4 stars). 2 submissions from 2 submitters: Benign (2). Last evaluated 2018-06-14.

Allele frequency attached by ClinVar (database versions not stated): gnomAD exomes 0.05080; TOPMed 0.07111; gnomAD 0.07123 and 0.07187; 1000 Genomes Project 0.09585; 1000 Genomes Project 30x 0.09884.
gnomAD v4.1: 77,970 of 1,466,860 alleles (5.3%); highest among the groups gnomAD compares: African/African-American, 13%; 2,773 homozygotes.

Submissions (7):

GeneDx
Classification: Benign. Last evaluated: 2018-06-14. Review status: criteria provided, single submitter. Criteria: GeneDx Variant Classification (06012015). Collection method: clinical testing. Allele origin: germline. Affected: yes.
Comment: This variant is considered likely benign or benign based on one or more of the following criteria: it is a conservative change, it occurs at a poorly conserved position in the protein, it is predicted to be benign by multiple in silico algorithms, and/or has population frequency not consistent with disease.

Breakthrough Genomics
Classification: Benign. Review status: criteria provided, single submitter. Criteria: ACMG Guidelines, 2015. Collection method: not provided. Allele origin: germline. Inheritance: Autosomal recessive inheritance. Affected: yes.

Dr. Peter K. Rogan Lab, Western University
No classification provided (evidence only). Condition: Acute myeloid leukemia. Review status: no classification provided. Collection method: in vitro. Allele origin: not applicable. Functional consequence: retained intron. Not counted in ClinVar's aggregate classification.

Dr. Peter K. Rogan Lab, Western University
No classification provided (evidence only). Condition: Acute myeloid leukemia. Review status: no classification provided. Collection method: in vitro. Allele origin: not applicable. Functional consequence: retained intron. Not counted in ClinVar's aggregate classification.

Dr. Peter K. Rogan Lab, Western University
No classification provided (evidence only). Condition: Thymoma. Review status: no classification provided. Collection method: in vitro. Allele origin: not applicable. Functional consequence: retained intron. Not counted in ClinVar's aggregate classification.

Dr. Peter K. Rogan Lab, Western University
No classification provided (evidence only). Condition: Thymoma. Review status: no classification provided. Collection method: in vitro. Allele origin: not applicable. Functional consequence: retained intron. Not counted in ClinVar's aggregate classification.

Dr. Peter K. Rogan Lab, Western University
No classification provided (evidence only). Condition: Uveal melanoma. Review status: no classification provided. Collection method: in vitro. Allele origin: not applicable. Functional consequence: retained intron. Not counted in ClinVar's aggregate classification.

NM_024809.5(TCTN2):c.1234+116A>G

Gene: TCTN2 (tectonic family member 2; plus strand). Cytogenetic location: 12q24.31.
Variant type: single nucleotide variant.
Coding change: c.1234+116A>G on transcript NM_024809.5 (MANE Select); 116 bases into the intron after coding-DNA position 1234, A replaced by G.
Molecular consequence: intron variant.
Genome position (GRCh38, 1-based): chr12:123,695,092, A>G. VCF-style: chr12-123695092-A-G. GRCh37 (hg19) VCF-style: chr12-124179639-A-G.
Other names: NC_000012.11:g.124179639A>G; c.1231+116A>G (NM_001143850.3).
Identifiers: ClinVar variation 675127 (VCV000675127.3), dbSNP rs10846543, ClinGen allele CA245165631.